The following is an entry in ClinVar:

NM_001035.3(RYR2):c.6935G>C (p.Ser2312Thr)

Gene: RYR2 (ryanodine receptor 2; plus strand). Cytogenetic location: 1q43.
Variant type: single nucleotide variant.
Coding change: c.6935G>C on transcript NM_001035.3 (MANE Select); coding-DNA position 6935, G replaced by C.
Protein change: p.Ser2312Thr; replaces serine 2312 with threonine.
Molecular consequence: missense variant.
Genome position (GRCh38, 1-based): chr1:237,639,021, G>C. VCF-style: chr1-237639021-G-C. GRCh37 (hg19) VCF-style: chr1-237802321-G-C.
Other names: short protein forms S2312T.
Identifiers: ClinVar variation 4158434 (VCV004158434.3).
Genomic context (GRCh38, chr1:237,639,021, plus strand): 5'-TCAGAACTTCCATATAATCATATTTGTTTACTTATCTTCCCCATTCTACTTTAGGGGAGA[G>C]TGTGGAGGAAAATGCAAATGTCGTGGTGAGATTGCTCATTCGGAGGCCTGAGTGTTTTGG-3'
Protein context (NP_001026.2, residues 2302-2322): LRFAVFCNGE[Ser2312Thr]VEENANVVVR

ClinVar aggregate classification (germline): Conflicting classifications of pathogenicity. Review status: criteria provided, conflicting classifications (1 of 4 stars). 2 submissions from 2 submitters: Likely pathogenic (1); Uncertain significance (1). Last evaluated 2026-06-01.

Conditions:
Cardiovascular phenotype. Identifiers: MedGen CN230736.

gnomAD v4.1: 1 of 1,613,622 alleles (0.000062%); highest among the groups gnomAD compares: East Asian, 0.0022%; no homozygotes.

Submissions (2):

CeGaT Center for Human Genetics Tuebingen
Classification: Likely pathogenic. Last evaluated: 2026-06-01. Review status: criteria provided, single submitter. Criteria: CeGaT Center For Human Genetics Tuebingen Variant Classification Criteria Version 2. Collection method: clinical testing. Allele origin: germline. Affected: yes. Observed: 1 variant allele.
Comment: RYR2: PM1, PM2, PS2:Moderate, PP3

Ambry Genetics
Classification: Uncertain significance for Cardiovascular phenotype. Last evaluated: 2025-07-24. Review status: criteria provided, single submitter. Criteria: Ambry Variant Classification Scheme 2023. Collection method: clinical testing. Allele origin: germline.
Comment: The p.S2312T variant (also known as c.6935G>C), located in coding exon 46 of the RYR2 gene, results from a G to C substitution at nucleotide position 6935. The serine at codon 2312 is replaced by threonine, an amino acid with similar properties. This amino acid position is highly conserved in available vertebrate species. In addition, the in silico prediction for this alteration is inconclusive. Based on the available evidence, the clinical significance of this variant remains unclear.